The following is an entry in ClinVar:

NM_001100.4(ACTA1):c.911G>A (p.Gly304Asp)

Gene: ACTA1 (actin alpha 1, skeletal muscle; minus strand). Cytogenetic location: 1q42.13.
Variant type: single nucleotide variant.
Coding change: c.911G>A on transcript NM_001100.4 (MANE Select); coding-DNA position 911, G replaced by A.
Protein change: p.Gly304Asp; replaces glycine 304 with aspartic acid.
Molecular consequence: missense variant.
Genome position (GRCh38, 1-based): chr1:229,431,800, C>T on the plus strand (G>A on the coding strand, the complement: ACTA1 is on the minus strand). VCF-style: chr1-229431800-C-T. GRCh37 (hg19) VCF-style: chr1-229567547-C-T.
Other names: c.911G>A (NM_001100.3); short protein forms G304D.
Identifiers: ClinVar variation 1366585 (VCV001366585.8), dbSNP rs2102735242, ClinGen allele CA345145689.

ClinVar aggregate classification (germline): Uncertain significance. Review status: criteria provided, multiple submitters, no conflicts (2 of 4 stars). 3 submissions from 3 submitters: Uncertain significance (3). Last evaluated 2023-11-16.

Conditions:
Actin accumulation myopathy (CMYO2A). Also called: Myopathy, actin, congenital, with cores; Nemaline myopathy 3, with intranuclear rods; CONGENITAL MYOPATHY 2A, TYPICAL, AUTOSOMAL DOMINANT; Nemaline myopathy type 3; Myopathy, actin, congenital, with excess of thin myofilaments. Identifiers: Orphanet 98904, MedGen C3711389, MONDO:0008070, OMIM 161800.

Allele frequency attached by ClinVar (database versions not stated): gnomAD exomes below 0.00001.

Submissions (3):

Blueprint Genetics
Classification: Uncertain significance. Last evaluated: 2023-11-16. Review status: criteria provided, single submitter. Criteria: ACMG Guidelines, 2015. Collection method: clinical testing. Allele origin: germline.

GeneDx
Classification: Uncertain significance. Last evaluated: 2023-10-31. Review status: criteria provided, single submitter. Criteria: GeneDx Variant Classification Process June 2021. Collection method: clinical testing. Allele origin: germline. Affected: yes.
Comment: Not observed at significant frequency in large population cohorts (gnomAD); In silico analysis supports that this missense variant has a deleterious effect on protein structure/function; Missense variants in this gene are often considered pathogenic (HGMD); Has not been previously published as pathogenic or benign to our knowledge

Labcorp Genetics (formerly Invitae), Labcorp
Classification: Uncertain significance for Actin accumulation myopathy. Last evaluated: 2021-08-27. Review status: criteria provided, single submitter. Criteria: Invitae Variant Classification Sherloc (09022015). Collection method: clinical testing. Allele origin: germline.
Comment: This sequence change replaces glycine with aspartic acid at codon 304 of the ACTA1 protein (p.Gly304Asp). The glycine residue is highly conserved and there is a moderate physicochemical difference between glycine and aspartic acid. This variant is not present in population databases (ExAC no frequency). This missense change has been observed in individual(s) with clinical features of autosomal recessive ACTA1-related conditions (Invitae). Advanced modeling of protein sequence and biophysical properties (such as structural, functional, and spatial information, amino acid conservation, physicochemical variation, residue mobility, and thermodynamic stability) performed at Invitae indicates that this missense variant is expected to disrupt ACTA1 protein function. In summary, the available evidence is currently insufficient to determine the role of this variant in disease. Therefore, it has been classified as a Variant of Uncertain Significance.